The following is an entry in ClinVar:

ClinVar aggregate classification (germline): Likely benign. Review status: criteria provided, single submitter (1 of 4 stars). 2 submissions from 2 submitters: Likely benign (1). 1 of the submissions does not count toward it. Last evaluated 2025-04-29.

Conditions:
PLXNA2-related disorder. Also called: PLXNA2-related condition.

Allele frequency attached by ClinVar (database versions not stated): gnomAD 0.00001; gnomAD exomes 0.00001; ExAC 0.00005.
gnomAD v4.1: 14 of 1,614,124 alleles (0.00087%); highest among the groups gnomAD compares: South Asian, 0.013%; no homozygotes.

Submissions (2):

Labcorp Genetics (formerly Invitae), Labcorp
Classification: Likely benign. Last evaluated: 2025-04-29. Review status: criteria provided, single submitter. Criteria: Invitae Variant Classification Sherloc (09022015). Collection method: clinical testing. Allele origin: germline.

PreventionGenetics, part of Exact Sciences
Classification: Likely benign for PLXNA2-related condition. Last evaluated: 2023-04-26. Review status: no assertion criteria provided. Collection method: clinical testing. Allele origin: germline. Not counted in ClinVar's aggregate classification.
Comment: This variant is classified as likely benign based on ACMG/AMP sequence variant interpretation guidelines (Richards et al. 2015 PMID: 25741868, with internal and published modifications).

NM_025179.4(PLXNA2):c.3435T>C (p.Phe1145=)

Gene: PLXNA2 (plexin A2; minus strand). Cytogenetic location: 1q32.2.
Variant type: single nucleotide variant.
Coding change: c.3435T>C on transcript NM_025179.4 (MANE Select); coding-DNA position 3435, T replaced by C.
Protein change: p.Phe1145=; no amino-acid change (phenylalanine 1145 retained).
Molecular consequence: synonymous variant.
Genome position (GRCh38, 1-based): chr1:208,045,938, A>G on the plus strand (T>C on the coding strand, the complement: PLXNA2 is on the minus strand). VCF-style: chr1-208045938-A-G. GRCh37 (hg19) VCF-style: chr1-208219283-A-G.
Identifiers: ClinVar variation 3050056 (VCV003050056.3), dbSNP rs771162917, ClinGen allele CA1373196.